The following is an entry in ClinVar:

NM_005629.4(SLC6A8):c.1393-8T>G

Gene: SLC6A8 (solute carrier family 6 member 8; plus strand). Cytogenetic location: Xq28.
Variant type: single nucleotide variant.
Coding change: c.1393-8T>G on transcript NM_005629.4 (MANE Select); 8 bases into the intron before coding-DNA position 1393, T replaced by G.
Molecular consequence: intron variant.
Genome position (GRCh38, 1-based): chrX:153,694,336, T>G. VCF-style: chrX-153694336-T-G. GRCh37 (hg19) VCF-style: chrX-152959791-T-G.
Other names: c.1363-8T>G (NM_001142805.2); c.1048-8T>G (NM_001142806.1).
Identifiers: ClinVar variation 452466 (VCV000452466.6), dbSNP rs1557045456, ClinGen allele CA658659052.

ClinVar aggregate classification (germline): Conflicting classifications of pathogenicity. Review status: criteria provided, conflicting classifications (1 of 4 stars). 2 submissions from 2 submitters: Uncertain significance (1); Likely benign (1). Last evaluated 2025-01-08.

Conditions:
Creatine transporter deficiency (CCDS1). Also called: Creatine Transporter (CRTR) Deficiency; SLC6A8-Related Creatine Transporter Deficiency; CREATINE TRANSPORTER DEFECT; CEREBRAL CREATINE DEFICIENCY SYNDROME 1; Mental retardation , X-linked with seizures, short stature and midface hypoplasia; Mental retardation , X-linked, with creatine transport deficiency. Identifiers: Orphanet 52503, MedGen C1845862, MONDO:0010305, OMIM 300352.

Submissions (2):

Labcorp Genetics (formerly Invitae), Labcorp
Classification: Likely benign for Creatine transporter deficiency. Last evaluated: 2025-01-08. Review status: criteria provided, single submitter. Criteria: Invitae Variant Classification Sherloc (09022015). Collection method: clinical testing. Allele origin: germline.

GeneDx
Classification: Uncertain significance. Last evaluated: 2020-01-15. Review status: criteria provided, single submitter. Criteria: GeneDx Variant Classification Process June 2021. Collection method: clinical testing. Allele origin: germline. Affected: yes.
Comment: Not observed in large population cohorts (Lek et al., 2016); In-silico analysis, which includes splice predictors and evolutionary conservation, is inconclusive as to whether the variant alters gene splicing. In the absence of RNA/functional studies, the actual effect of this sequence change is unknown.; Has not been previously published as pathogenic or benign to our knowledge